The following is an entry in ClinVar:

ClinVar aggregate classification (germline): Uncertain significance (1 of 4 stars; one submission).

Conditions:
Fabry disease. Also called: ALPHA-GALACTOSIDASE A DEFICIENCY; ANDERSON-FABRY DISEASE; CERAMIDE TRIHEXOSIDASE DEFICIENCY; GLA DEFICIENCY; HEREDITARY DYSTOPIC LIPIDOSIS; Angiokeratoma corporis diffusum. Identifiers: Orphanet 324, MedGen C0002986, MONDO:0010526, OMIM 301500, HP:0001071. Disease mechanism: Fabry disease is due to inactivating mutations in the X-linked GLA gene resulting in deficiency of the enzyme Alpha Galactosidase-A., loss of function.

Submission:

Genomenon, Inc
Classification: Uncertain significance for Fabry disease. Last evaluated: 2026-09-08. Review status: criteria provided, single submitter. Criteria: Genomenon Sequence Variant Interpretation Standards - Updated. Collection method: curation. Allele origin: germline. Affected: no.
Comment: GLA p.Trp245Gly (c.733T>G) is a missense variant that changes the amino acid at codon 245 from Tryptophan to Glycine. This variant has been reported in the published literature (PMID:32995357;27657681;31036492). It is absent or not present at a significant frequency in gnomAD. In silico models predict that this variant is possibly or probably damaging. In conclusion, we classify GLA p.Trp245Gly (c.733T>G) as a variant of uncertain significance.

Literature cited by the submitters: PubMed 32995357; PubMed 27657681; PubMed 31036492.

NM_000169.3(GLA):c.733T>G (p.Trp245Gly)

Genes: GLA (galactosidase alpha; minus strand), RPL36A-HNRNPH2 (RPL36A-HNRNPH2 readthrough; plus strand). Cytogenetic location: Xq22.1.
Variant type: single nucleotide variant.
Coding change: c.733T>G on transcript NM_000169.3 (MANE Select); coding-DNA position 733, T replaced by G.
Protein change: p.Trp245Gly; replaces tryptophan 245 with glycine.
Molecular consequence: missense variant. On other transcripts: non-coding transcript variant (3), intron variant (2).
Genome position (GRCh38, 1-based): chrX:101,398,853, A>C on the plus strand (T>G on the coding strand, the complement: GLA is on the minus strand). VCF-style: chrX-101398853-A-C. GRCh37 (hg19) VCF-style: chrX-100653841-A-C.
Other names: c.856T>G, p.Trp286Gly (NM_001406747.1); c.733T>G, p.Trp245Gly (NM_001406748.1); c.300+3396A>C (NM_001199973.2); c.177+7031A>C (NM_001199974.2); short protein forms W245G, W286G.
Identifiers: ClinVar variation 4087486 (VCV004087486.2).